The following is an entry in ClinVar:

NM_001277115.2(DNAH11):c.6770T>A (p.Val2257Asp)

Gene: DNAH11 (dynein axonemal heavy chain 11; plus strand). Cytogenetic location: 7p15.3.
Variant type: single nucleotide variant.
Coding change: c.6770T>A on transcript NM_001277115.2 (MANE Select); coding-DNA position 6770, T replaced by A.
Protein change: p.Val2257Asp; replaces valine 2257 with aspartic acid.
Molecular consequence: missense variant.
Genome position (GRCh38, 1-based): chr7:21,710,639, T>A. VCF-style: chr7-21710639-T-A. GRCh37 (hg19) VCF-style: chr7-21750257-T-A.
Other names: c.6791T>A, p.Val2264Asp (NM_003777.3); short protein forms V2257D, V2264D.
Identifiers: ClinVar variation 2428220 (VCV002428220.11), dbSNP rs752450668, ClinGen allele CA4180978.

ClinVar aggregate classification (germline): Uncertain significance (1 of 4 stars; one submission).

Conditions:
Primary ciliary dyskinesia. Also called: Ciliary dyskinesia. Identifiers: Orphanet 244, MedGen C0008780, MONDO:0016575, HP:0012265.

Allele frequency attached by ClinVar (database versions not stated): ExAC 0.00001; gnomAD 0.00001; TOPMed 0.00001.
gnomAD v4.1: 2 of 1,613,324 alleles (0.00012%); highest among the groups gnomAD compares: Non-Finnish European, 0.00017%; no homozygotes.

Submission:

Labcorp Genetics (formerly Invitae), Labcorp
Classification: Uncertain significance for Primary ciliary dyskinesia. Last evaluated: 2022-09-20. Review status: criteria provided, single submitter. Criteria: Invitae Variant Classification Sherloc (09022015). Collection method: clinical testing. Allele origin: germline.
Comment: This sequence change replaces valine, which is neutral and non-polar, with aspartic acid, which is acidic and polar, at codon 2257 of the DNAH11 protein (p.Val2257Asp). This variant is present in population databases (rs752450668, gnomAD 0.0009%). This missense change has been observed in individual(s) with clinical features of primary ciliary dyskinesia (Invitae). Algorithms developed to predict the effect of missense changes on protein structure and function (SIFT, PolyPhen-2, Align-GVGD) all suggest that this variant is likely to be disruptive. In summary, the available evidence is currently insufficient to determine the role of this variant in disease. Therefore, it has been classified as a Variant of Uncertain Significance.